The following is an entry in ClinVar:

ClinVar aggregate classification (germline): Uncertain significance. Review status: reviewed by expert panel (3 of 4 stars). 4 submissions from 3 submitters: Uncertain significance (1). 3 of the submissions do not count toward it. Last evaluated 2025-11-12.

Conditions:
Glaucoma 1, open angle, A (GLC1A). Also called: Glaucoma, Dominant (Juvenile Onset). Identifiers: Orphanet 98977, MedGen C1842028, MONDO:0007664, OMIM 137750.
Inborn genetic diseases. Identifiers: MedGen C0950123, MeSH D030342.
Open-angle glaucoma. Identifiers: MedGen C0017612, MONDO:0005338, HP:0012108.
Glaucoma. Identifiers: MedGen C0017601, MONDO:0005041, HP:0000501.

Allele frequency attached by ClinVar (database versions not stated): gnomAD exomes below 0.00001; TOPMed 0.00002.
gnomAD v4.1: 2 of 1,612,882 alleles (0.00012%); highest among the groups gnomAD compares: Non-Finnish European, 0.00017%; no homozygotes.

Submissions (4):

ClinGen Glaucoma Variant Curation Expert Panel
Classification: Uncertain significance for Open-angle glaucoma. Last evaluated: 2025-11-12. Review status: reviewed by expert panel. Criteria: ClinGen Glaucoma ACMG Specifications V2.0.0 Approved. Collection method: curation. Allele origin: germline. Inheritance: Autosomal dominant inheritance.
Comment: The c.239C>A variant in MYOC is a missense variant predicted to cause substitution of Threonine by Asparagine at amino acid 80 (p.Thr80Asn). The highest minor allele frequency of this variant was in the European (non-Finnish) genetic ancestry group of gnomAD (v4.1.0) = 0.000001696 (2 alleles out of 1,178,954), which met the ≤ 0.0001 threshold set for PM2_Supporting in a genetic ancestry group of at least 10,000 alleles. The REVEL score = 0.083, which was within the 0.017-0.183 range for BP4_Moderate, suggesting that the variant does not impact MYOC function. There was no functional evidence predicting a damaging or benign impact of this variant on MYOC function. This variant was identified in laboratory based testing, but has not yet been found in a proband with juvenile or primary open angle glaucoma, thus PS4 did not apply. In summary, this variant met the criteria to receive a score of -1 and to be classified as a variant of uncertain significance (uncertain significance classification range -1 to 5, adapted from PMID: 32720330) for primary open angle glaucoma based on the ACMG/AMP criteria met, as specified by the ClinGen Glaucoma VCEP (v2.0.0, 5 Dec 2024): BP4_Moderate, PM2_Supporting.

Ambry Genetics
Classification: Uncertain significance for Inborn genetic diseases. Last evaluated: 2025-08-07. Review status: criteria provided, single submitter. Criteria: Ambry Variant Classification Scheme 2023. Collection method: clinical testing. Allele origin: germline. Not counted in ClinVar's aggregate classification.

Illumina Laboratory Services, Illumina
Classification: Uncertain significance for Glaucoma. Last evaluated: 2018-01-13. Review status: criteria provided, single submitter. Criteria: ICSL Variant Classification Criteria 13 December 2019. Collection method: clinical testing. Allele origin: germline. Not counted in ClinVar's aggregate classification.

Illumina Laboratory Services, Illumina
Classification: Uncertain significance for Glaucoma 1, open angle, A. Last evaluated: 2018-01-13. Review status: criteria provided, single submitter. Criteria: ICSL Variant Classification Criteria 13 December 2019. Collection method: clinical testing. Allele origin: germline. Not counted in ClinVar's aggregate classification.

NM_000261.2(MYOC):c.239C>A (p.Thr80Asn)

Gene: MYOC (myocilin; minus strand). Cytogenetic location: 1q24.3.
Variant type: single nucleotide variant.
Coding change: c.239C>A on transcript NM_000261.2 (MANE Select); coding-DNA position 239, C replaced by A.
Protein change: p.Thr80Asn; replaces threonine 80 with asparagine.
Molecular consequence: missense variant.
Genome position (GRCh38, 1-based): chr1:171,652,373, G>T on the plus strand (C>A on the coding strand, the complement: MYOC is on the minus strand). VCF-style: chr1-171652373-G-T. GRCh37 (hg19) VCF-style: chr1-171621513-G-T.
Other names: NM_000261.2(MYOC):c.239C>A; p.Thr80Asn; short protein forms T80N.
Identifiers: ClinVar variation 293721 (VCV000293721.8), dbSNP rs886045567, ClinGen allele CA10608383.